The following is an entry in ClinVar:

NM_000492.4(CFTR):c.3595A>C (p.Lys1199Gln)

Genes: CFTR (CF transmembrane conductance regulator; plus strand), CFTR-AS2 (CFTR antisense RNA 2; minus strand). Cytogenetic location: 7q31.2.
Variant type: single nucleotide variant.
Coding change: c.3595A>C on transcript NM_000492.4 (MANE Select); coding-DNA position 3595, A replaced by C.
Protein change: p.Lys1199Gln; replaces lysine 1199 with glutamine.
Molecular consequence: missense variant.
Genome position (GRCh38, 1-based): chr7:117,627,648, A>C. VCF-style: chr7-117627648-A-C. GRCh37 (hg19) VCF-style: chr7-117267702-A-C.
Other names: short protein forms K1199Q.
Identifiers: ClinVar variation 2567895 (VCV002567895.2), dbSNP rs2485146376, ClinGen allele CA368997096.

ClinVar aggregate classification (germline): Uncertain significance (1 of 4 stars; one submission).

Conditions:
Cystic fibrosis (CF). Also called: MUCOVISCIDOSIS. Identifiers: Orphanet 586, MedGen C0010674, MONDO:0009061, OMIM 219700. Disease mechanism: loss of function.

Submission:

Ambry Genetics
Classification: Uncertain significance for Cystic fibrosis. Last evaluated: 2023-05-25. Review status: criteria provided, single submitter. Criteria: Ambry Variant Classification Scheme 2023. Collection method: clinical testing. Allele origin: germline.
Comment: The p.K1199Q variant (also known as c.3595A>C), located in coding exon 22 of the CFTR gene, results from an A to C substitution at nucleotide position 3595. The lysine at codon 1199 is replaced by glutamine, an amino acid with similar properties. This amino acid position is conserved. In addition, the in silico prediction for this alteration is inconclusive. Since supporting evidence is limited at this time, the clinical significance of this alteration remains unclear.